The following is an entry in ClinVar:

ClinVar aggregate classification (germline): Uncertain significance. Review status: criteria provided, multiple submitters, no conflicts (2 of 4 stars). 2 submissions from 2 submitters: Uncertain significance (2). Last evaluated 2025-06-03.

Allele frequency attached by ClinVar (database versions not stated): TOPMed 0.00003; gnomAD 0.00004; ExAC 0.00007; ESP Exome Variant Server 0.00008; gnomAD exomes 0.00010.
gnomAD v4.1: 142 of 1,612,150 alleles (0.0088%); highest among the groups gnomAD compares: Non-Finnish European, 0.012%; no homozygotes.

Submissions (2):

Ambry Genetics
Classification: Uncertain significance. Last evaluated: 2025-06-03. Review status: criteria provided, single submitter. Criteria: Ambry Variant Classification Scheme 2023. Collection method: clinical testing. Allele origin: germline.

Labcorp Genetics (formerly Invitae), Labcorp
Classification: Uncertain significance. Last evaluated: 2022-09-13. Review status: criteria provided, single submitter. Criteria: Invitae Variant Classification Sherloc (09022015). Collection method: clinical testing. Allele origin: germline.
Comment: In summary, the available evidence is currently insufficient to determine the role of this variant in disease. Therefore, it has been classified as a Variant of Uncertain Significance. Advanced modeling of protein sequence and biophysical properties (such as structural, functional, and spatial information, amino acid conservation, physicochemical variation, residue mobility, and thermodynamic stability) performed at Invitae indicates that this missense variant is not expected to disrupt CTU2 protein function. This variant has not been reported in the literature in individuals affected with CTU2-related conditions. This variant is present in population databases (rs142702969, gnomAD 0.01%). This sequence change replaces glutamic acid, which is acidic and polar, with alanine, which is neutral and non-polar, at codon 296 of the CTU2 protein (p.Glu296Ala).

NM_001012759.3(CTU2):c.887A>C (p.Glu296Ala)

Gene: CTU2 (cytosolic thiouridylase subunit 2; plus strand). Cytogenetic location: 16q24.3.
Variant type: single nucleotide variant.
Coding change: c.887A>C on transcript NM_001012759.3 (MANE Select); coding-DNA position 887, A replaced by C.
Protein change: p.Glu296Ala; replaces glutamic acid 296 with alanine.
Molecular consequence: missense variant.
Genome position (GRCh38, 1-based): chr16:88,713,660, A>C. VCF-style: chr16-88713660-A-C. GRCh37 (hg19) VCF-style: chr16-88780068-A-C.
Other names: c.887A>C (NM_001012759.1); c.887A>C, p.Glu296Ala (NM_001012762.3); c.1100A>C, p.Glu367Ala (NM_001318507.2); c.626A>C, p.Glu209Ala (NM_001318513.2); short protein forms E209A, E296A, E367A.
Identifiers: ClinVar variation 2421387 (VCV002421387.7), dbSNP rs142702969, ClinGen allele CA8230637.